The following is an entry in ClinVar:

ClinVar aggregate classification (germline): Likely benign. Review status: criteria provided, multiple submitters, no conflicts (2 of 4 stars). 3 submissions from 3 submitters: Likely benign (3). Last evaluated 2025-05-23.

Conditions:
TTN-related disorder. Also called: TTN-related condition; TTN-related disease; TTN-related disorders.
Autosomal recessive limb-girdle muscular dystrophy type 2J (LGMDR10). Also called: Limb-girdle muscular dystrophy, type 2J; MUSCULAR DYSTROPHY, LIMB-GIRDLE, AUTOSOMAL RECESSIVE 10. Identifiers: Orphanet 140922, MedGen C1837342, MONDO:0012127, OMIM 608807.
Dilated cardiomyopathy 1G (CMD1G). Identifiers: Orphanet 154, MedGen C1858763, MONDO:0011400, OMIM 604145.
Cardiovascular phenotype. Identifiers: MedGen CN230736.

Allele frequency attached by ClinVar (database versions not stated): gnomAD exomes below 0.00001.
gnomAD v4.1: 4 of 1,608,640 alleles (0.00025%); highest among the groups gnomAD compares: African/African-American, 0.0054%; no homozygotes.

Submissions (3):

Labcorp Genetics (formerly Invitae), Labcorp
Classification: Likely benign for Dilated cardiomyopathy 1G; Autosomal recessive limb-girdle muscular dystrophy type 2J. Last evaluated: 2025-05-23. Review status: criteria provided, single submitter. Criteria: Invitae Variant Classification Sherloc (09022015). Collection method: clinical testing. Allele origin: germline.

PreventionGenetics, part of Exact Sciences
Classification: Likely benign for TTN-related condition. Last evaluated: 2025-05-22. Review status: criteria provided, single submitter. Criteria: ACMG Guidelines, 2015. Collection method: clinical testing. Allele origin: germline.
Comment: This variant is classified as likely benign based on ACMG/AMP sequence variant interpretation guidelines (Richards et al. 2015 PMID: 25741868, with internal and published modifications).

Ambry Genetics
Classification: Likely benign for Cardiovascular phenotype. Last evaluated: 2021-12-13. Review status: criteria provided, single submitter. Criteria: Ambry Variant Classification Scheme 2023. Collection method: clinical testing. Allele origin: germline.

NM_001267550.2(TTN):c.66111A>T (p.Gly22037=)

Genes: TTN (titin; minus strand), TTN-AS1 (TTN antisense RNA 1; plus strand). Cytogenetic location: 2q31.2.
Variant type: single nucleotide variant.
Coding change: c.66111A>T on transcript NM_001267550.2 (MANE Select); coding-DNA position 66111, A replaced by T.
Protein change: p.Gly22037=; no amino-acid change (glycine 22037 retained).
Molecular consequence: synonymous variant.
Genome position (GRCh38, 1-based): chr2:178,582,345, T>A on the plus strand (A>T on the coding strand, the complement: TTN is on the minus strand). VCF-style: chr2-178582345-T-A. GRCh37 (hg19) VCF-style: chr2-179447072-T-A.
Other names: c.61188A>T, p.Gly20396= (NM_001256850.1); c.38916A>T, p.Gly12972= (NM_003319.4); c.58407A>T, p.Gly19469= (NM_133378.4); c.39291A>T, p.Gly13097= (NM_133432.3); c.39492A>T, p.Gly13164= (NM_133437.4).
Identifiers: ClinVar variation 1111530 (VCV001111530.12), dbSNP rs1400343393, ClinGen allele CA430262933.